The following is an entry in ClinVar:

ClinVar aggregate classification (germline): Uncertain significance (1 of 4 stars; one submission).

Submission:

Labcorp Genetics (formerly Invitae), Labcorp
Classification: Uncertain significance. Last evaluated: 2023-10-04. Review status: criteria provided, single submitter. Criteria: Invitae Variant Classification Sherloc (09022015). Collection method: clinical testing. Allele origin: germline.
Comment: This sequence change replaces proline, which is neutral and non-polar, with alanine, which is neutral and non-polar, at codon 237 of the TOP2B protein (p.Pro237Ala). This variant is not present in population databases (gnomAD no frequency). This variant has not been reported in the literature in individuals affected with TOP2B-related conditions. An algorithm developed to predict the effect of missense changes on protein structure and function (PolyPhen-2) suggests that this variant is likely to be disruptive. In summary, the available evidence is currently insufficient to determine the role of this variant in disease. Therefore, it has been classified as a Variant of Uncertain Significance.

NM_001330700.2(TOP2B):c.724C>G (p.Pro242Ala)

Gene: TOP2B (DNA topoisomerase II beta; minus strand). Cytogenetic location: 3p24.2.
Variant type: single nucleotide variant.
Coding change: c.724C>G on transcript NM_001330700.2 (MANE Select); coding-DNA position 724, C replaced by G.
Protein change: p.Pro242Ala; replaces proline 242 with alanine.
Molecular consequence: missense variant.
Genome position (GRCh38, 1-based): chr3:25,636,064, G>C on the plus strand (C>G on the coding strand, the complement: TOP2B is on the minus strand). VCF-style: chr3-25636064-G-C. GRCh37 (hg19) VCF-style: chr3-25677555-G-C.
Other names: c.709C>G, p.Pro237Ala (NM_001068.3); short protein forms P242A, P237A.
Identifiers: ClinVar variation 2994643 (VCV002994643.3), dbSNP rs2470366576, ClinGen allele CA351912154.